The following is an entry in ClinVar:

NM_016648.4(LARP7):c.950A>T (p.Gln317Leu)

Genes: LARP7 (La ribonucleoprotein 7, transcriptional regulator; plus strand), MIR302CHG (miR-302/367 cluster host gene; minus strand). Cytogenetic location: 4q25.
Variant type: single nucleotide variant.
Coding change: c.950A>T on transcript NM_016648.4 (MANE Select); coding-DNA position 950, A replaced by T.
Protein change: p.Gln317Leu; replaces glutamine 317 with leucine.
Molecular consequence: missense variant.
Genome position (GRCh38, 1-based): chr4:112,647,502, A>T. VCF-style: chr4-112647502-A-T. GRCh37 (hg19) VCF-style: chr4-113568658-A-T.
Other names: c.950A>T, p.Gln317Leu (NM_001267039.4, NM_001370974.1, NM_001370975.1 and 2 more transcripts); c.947A>T, p.Gln316Leu (NM_001370976.1, NM_001370977.1, NM_001370979.1 and 1 more transcripts); c.713A>T, p.Gln238Leu (NM_001370981.1, NM_001370982.1); c.950A>T (NM_016648.2); short protein forms Q317L, Q238L, Q316L.
Identifiers: ClinVar variation 2178692 (VCV002178692.2), dbSNP rs375697987, ClinGen allele CA3049304.

ClinVar aggregate classification (germline): Uncertain significance. Review status: criteria provided, multiple submitters, no conflicts (2 of 4 stars). 2 submissions from 2 submitters: Uncertain significance (2). Last evaluated 2023-10-17.

Conditions:
Inborn genetic diseases. Identifiers: MedGen C0950123, MeSH D030342.

Allele frequency attached by ClinVar (database versions not stated): ESP Exome Variant Server 0.00009; TOPMed 0.00010; gnomAD 0.00011.
gnomAD v4.1: 273 of 1,613,292 alleles (0.017%); highest among the groups gnomAD compares: Non-Finnish European, 0.021%; no homozygotes.

Submissions (2):

Ambry Genetics
Classification: Uncertain significance for Inborn genetic diseases. Last evaluated: 2023-10-17. Review status: criteria provided, single submitter. Criteria: Ambry Variant Classification Scheme 2023. Collection method: clinical testing. Allele origin: germline.

Labcorp Genetics (formerly Invitae), Labcorp
Classification: Uncertain significance. Last evaluated: 2022-07-10. Review status: criteria provided, single submitter. Criteria: Invitae Variant Classification Sherloc (09022015). Collection method: clinical testing. Allele origin: germline.
Comment: This sequence change replaces glutamine, which is neutral and polar, with leucine, which is neutral and non-polar, at codon 317 of the LARP7 protein (p.Gln317Leu). This variant is present in population databases (rs375697987, gnomAD 0.01%). This variant has not been reported in the literature in individuals affected with LARP7-related conditions. Algorithms developed to predict the effect of missense changes on protein structure and function are either unavailable or do not agree on the potential impact of this missense change (SIFT: "Deleterious"; PolyPhen-2: "Benign"; Align-GVGD: "Class C15"). In summary, the available evidence is currently insufficient to determine the role of this variant in disease. Therefore, it has been classified as a Variant of Uncertain Significance.